The following is an entry in ClinVar:

NM_000388.4(CASR):c.3197G>C (p.Gly1066Ala)

Gene: CASR (calcium sensing receptor; plus strand). Cytogenetic location: 3q21.1.
Variant type: single nucleotide variant.
Coding change: c.3197G>C on transcript NM_000388.4 (MANE Select); coding-DNA position 3197, G replaced by C.
Protein change: p.Gly1066Ala; replaces glycine 1066 with alanine.
Molecular consequence: missense variant.
Genome position (GRCh38, 1-based): chr3:122,285,151, G>C. VCF-style: chr3-122285151-G-C. GRCh37 (hg19) VCF-style: chr3-122003998-G-C.
Other names: c.3227G>C, p.Gly1076Ala (NM_001178065.2); short protein forms G1066A, G1076A.
Identifiers: ClinVar variation 1728724 (VCV001728724.2), dbSNP rs769439564, ClinGen allele CA354161761.

ClinVar aggregate classification (germline): Uncertain significance (1 of 4 stars; one submission).

Conditions:
Nephrolithiasis/nephrocalcinosis. Identifiers: MedGen CN580796.

Submission:

Ambry Genetics
Classification: Uncertain significance for Nephrolithiasis/nephrocalcinosis. Last evaluated: 2021-06-29. Review status: criteria provided, single submitter. Criteria: Ambry Variant Classification Scheme 2023. Collection method: clinical testing. Allele origin: germline.
Comment: The p.G1066A variant (also known as c.3197G>C), located in coding exon 6 of the CASR gene, results from a G to C substitution at nucleotide position 3197. The glycine at codon 1066 is replaced by alanine, an amino acid with similar properties. This amino acid position is conserved. In addition, the in silico prediction for this alteration is inconclusive. Since supporting evidence is limited at this time, the clinical significance of this alteration remains unclear.